The following is an entry in ClinVar:

ClinVar aggregate classification (germline): Uncertain significance. Review status: criteria provided, multiple submitters, no conflicts (2 of 4 stars). 3 submissions from 3 submitters: Uncertain significance (3). Last evaluated 2024-02-23.

Conditions:
Hereditary cancer-predisposing syndrome. Also called: Neoplastic Syndromes, Hereditary; Hereditary Cancer Syndrome; Tumor predisposition; Hereditary neoplastic syndrome. Identifiers: Orphanet 140162, MedGen C0027672, MeSH D009386, MONDO:0015356.
Familial cancer of breast. Also called: hereditary breast carcinoma; BREAST CANCER, FAMILIAL; Hereditary breast cancer. Identifiers: Orphanet 227535, MedGen C0346153, MONDO:0016419, OMIM 114480. Disease mechanism: loss of function.
Ataxia-telangiectasia syndrome (AT). Also called: Ataxia-telangiectasia, complementation group D; AT, COMPLEMENTATION GROUP C; Ataxia-telangiectasia, complementation group E; Cerebello-oculocutaneous telangiectasia; Immunodeficiency with ataxia telangiectasia; ATAXIA-TELANGIECTASIA, COMPLEMENTATION GROUP A. Identifiers: Orphanet 100, MedGen C0004135, MONDO:0008840, OMIM 208900.

Allele frequency attached by ClinVar (database versions not stated): gnomAD exomes below 0.00001.
gnomAD v4.1: 1 of 1,614,106 alleles (0.000062%); highest among the groups gnomAD compares: Admixed American, 0.0017%; no homozygotes.

Submissions (3):

Fulgent Genetics
Classification: Uncertain significance for Familial cancer of breast; Ataxia-telangiectasia syndrome. Last evaluated: 2024-02-23. Review status: criteria provided, single submitter. Criteria: ACMG Guidelines, 2015. Collection method: clinical testing. Allele origin: germline.

Ambry Genetics
Classification: Uncertain significance for Hereditary cancer-predisposing syndrome. Last evaluated: 2023-05-18. Review status: criteria provided, single submitter. Criteria: Ambry Variant Classification Scheme 2023. Collection method: clinical testing. Allele origin: germline.
Comment: The p.I396M variant (also known as c.1188A>G), located in coding exon 8 of the ATM gene, results from an A to G substitution at nucleotide position 1188. The isoleucine at codon 396 is replaced by methionine, an amino acid with highly similar properties. This amino acid position is well conserved in available vertebrate species. In addition, this alteration is predicted to be tolerated by in silico analysis. Since supporting evidence is limited at this time, the clinical significance of this alteration remains unclear.

GeneKor MSA
Classification: Uncertain significance for Hereditary cancer-predisposing syndrome. Last evaluated: 2018-08-01. Review status: criteria provided, single submitter. Criteria: ACMG Guidelines, 2015. Collection method: clinical testing. Allele origin: germline. Affected: yes.

NM_000051.4(ATM):c.1188A>G (p.Ile396Met)

Gene: ATM (ATM serine/threonine kinase; plus strand). Cytogenetic location: 11q22.3.
Variant type: single nucleotide variant.
Coding change: c.1188A>G on transcript NM_000051.4 (MANE Select); coding-DNA position 1188, A replaced by G.
Protein change: p.Ile396Met; replaces isoleucine 396 with methionine.
Molecular consequence: missense variant.
Genome position (GRCh38, 1-based): chr11:108,249,055, A>G. VCF-style: chr11-108249055-A-G. GRCh37 (hg19) VCF-style: chr11-108119782-A-G.
Other names: c.1188A>G, p.Ile396Met (NM_001351834.2); short protein forms I396M.
Identifiers: ClinVar variation 584485 (VCV000584485.7), dbSNP rs1565379417, ClinGen allele CA382532564.